The following is an entry in ClinVar:

ClinVar aggregate classification (germline): Likely pathogenic. Review status: criteria provided, multiple submitters, no conflicts (2 of 4 stars). 2 submissions from 2 submitters: Likely pathogenic (2). Last evaluated 2024-05-24.

Conditions:
SFTPB-related disorder. Also called: SFTPB-related condition.

Allele frequency attached by ClinVar (database versions not stated): TOPMed below 0.00001; gnomAD 0.00001.

Submissions (2):

Labcorp Genetics (formerly Invitae), Labcorp
Classification: Likely pathogenic. Last evaluated: 2024-05-24. Review status: criteria provided, single submitter. Criteria: Invitae Variant Classification Sherloc (09022015). Collection method: clinical testing. Allele origin: germline.
Comment: This sequence change affects a splice site in intron 4 of the SFTPB gene. RNA analysis indicates that disruption of this splice site induces altered splicing and likely results in a shortened protein product. This variant is not present in population databases (gnomAD no frequency). Disruption of this splice site has been observed in individual(s) with surfactant deficiency (PMID: 10712351). In at least one individual the data is consistent with being in trans (on the opposite chromosome) from a pathogenic variant. This variant is also known as 282-2delA . ClinVar contains an entry for this variant (Variation ID: 2633519). Studies have shown that disruption of this splice site results in skipping of exon 5 (also known as exon 4), but is expected to preserve the integrity of the reading-frame (PMID: 10712351). In summary, the currently available evidence indicates that the variant is pathogenic, but additional data are needed to prove that conclusively. Therefore, this variant has been classified as Likely Pathogenic.

PreventionGenetics, part of Exact Sciences
Classification: Likely pathogenic for SFTPB-related condition. Last evaluated: 2023-04-10. Review status: criteria provided, single submitter. Criteria: ACMG Guidelines, 2015. Collection method: clinical testing. Allele origin: germline.
Comment: The SFTPB c.304-2delA variant is predicted to result in a deletion affecting a canonical splice site. To our knowledge, this variant has not been reported in the literature or in a large population database, indicating this variant is rare. This variant is predicted to impact splicing (Alamut Visual Plus v1.6.1). This variant is interpreted as likely pathogenic.

Literature cited by the submitters: PubMed 10712351 (cited by Labcorp Genetics (formerly Invitae), Labcorp).

NM_000542.5(SFTPB):c.268-2del

Gene: SFTPB (surfactant protein B; minus strand). Cytogenetic location: 2p11.2.
Variant type: Deletion.
Coding change: c.268-2del on transcript NM_000542.5 (MANE Select); the canonical splice acceptor site of the intron before coding-DNA position 268, one base deleted (A; older notation c.268-2delA).
Molecular consequence: splice acceptor variant.
Genome position (GRCh38, 1-based): chr2:85,666,744, T deleted on the plus strand (A on the coding strand, the reverse complement: SFTPB is on the minus strand). VCF-style (leftmost placement, unchanged base first): chr2-85666743-CT-C. GRCh37 (hg19) VCF-style: chr2-85893866-CT-C.
Other names: c.268-2del (NM_198843.3, NM_001367281.1).
Identifiers: ClinVar variation 2633519 (VCV002633519.3), dbSNP rs1213187506, ClinGen allele CA893992901.